The following is an entry in ClinVar:

ClinVar aggregate classification (germline): Uncertain significance (1 of 4 stars; one submission).

gnomAD v4.1: 3 of 1,612,880 alleles (0.00019%); highest among the groups gnomAD compares: South Asian, 0.0022%; no homozygotes.

Submission:

Labcorp Genetics (formerly Invitae), Labcorp
Classification: Uncertain significance. Last evaluated: 2025-07-07. Review status: criteria provided, single submitter. Criteria: Invitae Variant Classification Sherloc (09022015). Collection method: clinical testing. Allele origin: germline.
Comment: This sequence change replaces proline, which is neutral and non-polar, with threonine, which is neutral and polar, at codon 334 of the SCN3A protein (p.Pro334Thr). This variant is not present in population databases (gnomAD no frequency). This missense change has been observed in individual(s) with clinical features of SCN3A-related conditions (internal data). ClinVar contains an entry for this variant (Variation ID: 1952130). Invitae Evidence Modeling of protein sequence and biophysical properties (such as structural, functional, and spatial information, amino acid conservation, physicochemical variation, residue mobility, and thermodynamic stability) indicates that this missense variant is not expected to disrupt SCN3A protein function with a negative predictive value of 95%. In summary, the available evidence is currently insufficient to determine the role of this variant in disease. Therefore, it has been classified as a Variant of Uncertain Significance.

NM_006922.4(SCN3A):c.1000C>A (p.Pro334Thr)

Gene: SCN3A (sodium voltage-gated channel alpha subunit 3; minus strand). Cytogenetic location: 2q24.3.
Variant type: single nucleotide variant.
Coding change: c.1000C>A on transcript NM_006922.4 (MANE Select); coding-DNA position 1000, C replaced by A.
Protein change: p.Pro334Thr; replaces proline 334 with threonine.
Molecular consequence: missense variant.
Genome position (GRCh38, 1-based): chr2:165,162,339, G>T on the plus strand (C>A on the coding strand, the complement: SCN3A is on the minus strand). VCF-style: chr2-165162339-G-T. GRCh37 (hg19) VCF-style: chr2-166018849-G-T.
Other names: c.1000C>A, p.Pro334Thr (NM_001081676.2, NM_001081677.2); short protein forms P334T.
Identifiers: ClinVar variation 1952130 (VCV001952130.5), dbSNP rs1170404015, ClinGen allele CA349238753.